The following is an entry in ClinVar:

ClinVar aggregate classification (germline): Uncertain significance (1 of 4 stars; one submission).

Conditions:
Mendelian susceptibility to mycobacterial diseases due to complete IL12RB1 deficiency. Also called: Immunodeficiency 30; IL12RB1 DEFICIENCY. Identifiers: Orphanet 319552, MedGen C4013949, MONDO:0013955, OMIM 614891.

Allele frequency attached by ClinVar (database versions not stated): ExAC 0.00010; gnomAD 0.00014 and 0.00013; ESP Exome Variant Server 0.00008; TOPMed 0.00008; gnomAD exomes 0.00012.
gnomAD v4.1: 166 of 1,612,552 alleles (0.01%); highest among the groups gnomAD compares: East Asian, 0.013%; 1 homozygote.

Submission:

Labcorp Genetics (formerly Invitae), Labcorp
Classification: Uncertain significance for Mendelian susceptibility to mycobacterial diseases due to complete IL12RB1 deficiency. Last evaluated: 2022-02-09. Review status: criteria provided, single submitter. Criteria: Invitae Variant Classification Sherloc (09022015). Collection method: clinical testing. Allele origin: germline.
Comment: This sequence change replaces serine, which is neutral and polar, with leucine, which is neutral and non-polar, at codon 244 of the IL12RB1 protein (p.Ser244Leu). This variant is present in population databases (rs200203598, gnomAD 0.05%). This missense change has been observed in individual(s) with clinical features of IL12RB1-related conditions (PMID: 32221732). ClinVar contains an entry for this variant (Variation ID: 661005). Algorithms developed to predict the effect of missense changes on protein structure and function output the following: SIFT: "Tolerated"; PolyPhen-2: "Benign"; Align-GVGD: "Class C0". The leucine amino acid residue is found in multiple mammalian species, which suggests that this missense change does not adversely affect protein function. Experimental studies have shown that this missense change affects IL12RB1 function (PMID: 32221732). In summary, the available evidence is currently insufficient to determine the role of this variant in disease. Therefore, it has been classified as a Variant of Uncertain Significance.

Literature cited by the submitters: PubMed 32221732.

NM_005535.3(IL12RB1):c.731C>T (p.Ser244Leu)

Gene: IL12RB1 (interleukin 12 receptor subunit beta 1; minus strand). Cytogenetic location: 19p13.11.
Variant type: single nucleotide variant.
Coding change: c.731C>T on transcript NM_005535.3 (MANE Select); coding-DNA position 731, C replaced by T.
Protein change: p.Ser244Leu; replaces serine 244 with leucine.
Molecular consequence: missense variant.
Genome position (GRCh38, 1-based): chr19:18,073,569, G>A on the plus strand (C>T on the coding strand, the complement: IL12RB1 is on the minus strand). VCF-style: chr19-18073569-G-A. GRCh37 (hg19) VCF-style: chr19-18184379-G-A.
Other names: c.731C>T, p.Ser244Leu (NM_153701.3, NM_001290023.2); c.851C>T, p.Ser284Leu (NM_001290024.2); short protein forms S244L, S284L.
Identifiers: ClinVar variation 661005 (VCV000661005.6), dbSNP rs200203598, ClinGen allele CA9305089.